The following is an entry in ClinVar:

ClinVar aggregate classification (germline): Uncertain significance (1 of 4 stars; one submission).

Conditions:
Combined immunodeficiency due to LRBA deficiency. Also called: Common variable immunodeficiency 8, with autoimmunity. Identifiers: Orphanet 445018, MedGen C3553512, MONDO:0013863, OMIM 614700.

Submission:

Labcorp Genetics (formerly Invitae), Labcorp
Classification: Uncertain significance for Combined immunodeficiency due to LRBA deficiency. Last evaluated: 2022-04-13. Review status: criteria provided, single submitter. Criteria: Invitae Variant Classification Sherloc (09022015). Collection method: clinical testing. Allele origin: germline.
Comment: In summary, the available evidence is currently insufficient to determine the role of this variant in disease. Therefore, it has been classified as a Variant of Uncertain Significance. Algorithms developed to predict the effect of missense changes on protein structure and function are either unavailable or do not agree on the potential impact of this missense change (SIFT: "Tolerated"; PolyPhen-2: "Probably Damaging"; Align-GVGD: "Class C0"). This variant has not been reported in the literature in individuals affected with LRBA-related conditions. This variant is not present in population databases (gnomAD no frequency). This sequence change replaces alanine, which is neutral and non-polar, with proline, which is neutral and non-polar, at codon 1080 of the LRBA protein (p.Ala1080Pro).

NM_001364905.1(LRBA):c.3238G>C (p.Ala1080Pro)

Gene: LRBA (LPS responsive beige-like anchor protein; minus strand). Cytogenetic location: 4q31.3.
Variant type: single nucleotide variant.
Coding change: c.3238G>C on transcript NM_001364905.1 (MANE Select); coding-DNA position 3238, G replaced by C.
Protein change: p.Ala1080Pro; replaces alanine 1080 with proline.
Molecular consequence: missense variant.
Genome position (GRCh38, 1-based): chr4:150,852,472, C>G on the plus strand (G>C on the coding strand, the complement: LRBA is on the minus strand). VCF-style: chr4-150852472-C-G. GRCh37 (hg19) VCF-style: chr4-151773624-C-G.
Other names: c.3238G>C, p.Ala1080Pro (NM_001199282.3, NM_001367550.1, NM_006726.5); short protein forms A1080P.
Identifiers: ClinVar variation 2126037 (VCV002126037.4), dbSNP rs1750731338, ClinGen allele CA358459227.
Genomic context (GRCh38, chr4:150,852,472, plus strand): 5'-ATTTATCCAAGAATTCTGGCATCTCTGAGGCATCCTCTTCTGAAGGAGAACTTATAGAAG[C>G]AGTTACTTCACTGACAGTCATTGAATCTTTGCCAGTTGTTATAAAAGAATTAGAGGAAAT-3'
Protein context (NP_001351834.1, residues 1070-1090): KDSMTVSEVT[Ala1080Pro]SISSPSEEDA